The following is an entry in ClinVar:

ClinVar aggregate classification (germline): Uncertain significance. Review status: criteria provided, multiple submitters, no conflicts (2 of 4 stars). 2 submissions from 2 submitters: Uncertain significance (2). Last evaluated 2022-10-24.

Conditions:
Inborn genetic diseases. Identifiers: MedGen C0950123, MeSH D030342.
Spastic paraplegia. Identifiers: MedGen C0037772, HP:0001258.

Allele frequency attached by ClinVar (database versions not stated): gnomAD exomes 0.00003; ExAC 0.00007.
gnomAD v4.1: 40 of 1,614,160 alleles (0.0025%); highest among the groups gnomAD compares: South Asian, 0.042%; no homozygotes.

Submissions (2):

Labcorp Genetics (formerly Invitae), Labcorp
Classification: Uncertain significance for Spastic paraplegia. Last evaluated: 2022-10-24. Review status: criteria provided, single submitter. Criteria: Invitae Variant Classification Sherloc (09022015). Collection method: clinical testing. Allele origin: germline.
Comment: Advanced modeling of protein sequence and biophysical properties (such as structural, functional, and spatial information, amino acid conservation, physicochemical variation, residue mobility, and thermodynamic stability) performed at Invitae indicates that this missense variant is not expected to disrupt CYP2U1 protein function. This variant has not been reported in the literature in individuals affected with CYP2U1-related conditions. This variant is present in population databases (rs773918253, gnomAD 0.04%). This sequence change replaces threonine, which is neutral and polar, with isoleucine, which is neutral and non-polar, at codon 395 of the CYP2U1 protein (p.Thr395Ile). In summary, the available evidence is currently insufficient to determine the role of this variant in disease. Therefore, it has been classified as a Variant of Uncertain Significance.

Ambry Genetics
Classification: Uncertain significance for Inborn genetic diseases. Last evaluated: 2022-02-03. Review status: criteria provided, single submitter. Criteria: Ambry Variant Classification Scheme 2023. Collection method: clinical testing. Allele origin: germline.

NM_183075.3(CYP2U1):c.1184C>T (p.Thr395Ile)

Gene: CYP2U1 (cytochrome P450 family 2 subfamily U member 1; plus strand). Cytogenetic location: 4q25.
Variant type: single nucleotide variant.
Coding change: c.1184C>T on transcript NM_183075.3 (MANE Select); coding-DNA position 1184, C replaced by T.
Protein change: p.Thr395Ile; replaces threonine 395 with isoleucine.
Molecular consequence: missense variant.
Genome position (GRCh38, 1-based): chr4:107,947,433, C>T. VCF-style: chr4-107947433-C-T. GRCh37 (hg19) VCF-style: chr4-108868589-C-T.
Other names: c.1184C>T (NM_183075.2); short protein forms T395I.
Identifiers: ClinVar variation 2139355 (VCV002139355.5), dbSNP rs773918253, ClinGen allele CA3037148.